The following is an entry in ClinVar:

NM_001710.6(CFB):c.250A>G (p.Thr84Ala)

Gene: CFB (complement factor B; plus strand). Cytogenetic location: 6p21.33.
Variant type: single nucleotide variant.
Coding change: c.250A>G on transcript NM_001710.6 (MANE Select); coding-DNA position 250, A replaced by G.
Protein change: p.Thr84Ala; replaces threonine 84 with alanine.
Molecular consequence: missense variant.
Genome position (GRCh38, 1-based): chr6:31,946,558, A>G. VCF-style: chr6-31946558-A-G. GRCh37 (hg19) VCF-style: chr6-31914335-A-G.
Other names: short protein forms T84A.
Identifiers: ClinVar variation 4704473 (VCV004704473.1).
Genomic context (GRCh38, chr6:31,946,558, plus strand): 5'-TCTGGCTTCTACCCGTACCCTGTGCAGACACGTACCTGCAGATCTACGGGGTCCTGGAGC[A>G]CCCTGAAGACTCAAGACCAAAAGACTGTCAGGAAGGCAGAGTGCAGAGGTTTGAGGGCAA-3'
Protein context (NP_001701.2, residues 74-94): RTCRSTGSWS[Thr84Ala]LKTQDQKTVR

ClinVar aggregate classification (germline): Uncertain significance (1 of 4 stars; one submission).

gnomAD v4.1: 3 of 1,612,538 alleles (0.00019%); highest among the groups gnomAD compares: South Asian, 0.0022%; no homozygotes.

Submission:

Labcorp Genetics (formerly Invitae), Labcorp
Classification: Uncertain significance. Last evaluated: 2025-04-09. Review status: criteria provided, single submitter. Criteria: Invitae Variant Classification Sherloc (09022015). Collection method: clinical testing. Allele origin: germline.
Comment: This sequence change replaces threonine, which is neutral and polar, with alanine, which is neutral and non-polar, at codon 84 of the CFB protein (p.Thr84Ala). This variant is not present in population databases (gnomAD no frequency). This variant has not been reported in the literature in individuals affected with CFB-related conditions. Invitae Evidence Modeling of protein sequence and biophysical properties (such as structural, functional, and spatial information, amino acid conservation, physicochemical variation, residue mobility, and thermodynamic stability) indicates that this missense variant is not expected to disrupt CFB protein function with a negative predictive value of 80%. In summary, the available evidence is currently insufficient to determine the role of this variant in disease. Therefore, it has been classified as a Variant of Uncertain Significance.